The following is an entry in ClinVar:

ClinVar aggregate classification (germline): Uncertain significance. Review status: criteria provided, single submitter (1 of 4 stars). 2 submissions from 2 submitters: Uncertain significance (1). 1 of the submissions does not count toward it. Last evaluated 2021-12-03.

Conditions:
Nemaline myopathy 8 (NEM8). Also called: Nemaline myopathy 8, autosomal recessive. Identifiers: Orphanet 171430, MedGen C3809209, MONDO:0014138, OMIM 615348.
KLHL40-related disorder. Also called: KLHL40-related condition.

Allele frequency attached by ClinVar (database versions not stated): gnomAD 0.00001; TOPMed 0.00002; ExAC 0.00003; gnomAD exomes 0.00004.
gnomAD v4.1: 35 of 1,613,480 alleles (0.0022%); highest among the groups gnomAD compares: African/African-American, 0.0027%; no homozygotes.

Submissions (2):

Labcorp Genetics (formerly Invitae), Labcorp
Classification: Uncertain significance for Nemaline myopathy 8. Last evaluated: 2021-12-03. Review status: criteria provided, single submitter. Criteria: Invitae Variant Classification Sherloc (09022015). Collection method: clinical testing. Allele origin: germline.
Comment: This sequence change affects codon 438 of the KLHL40 mRNA. It is a 'silent' change, meaning that it does not change the encoded amino acid sequence of the KLHL40 protein. This variant is present in population databases (rs200589852, gnomAD 0.04%). This variant has not been reported in the literature in individuals affected with KLHL40-related conditions. Algorithms developed to predict the effect of sequence changes on RNA splicing suggest that this variant may disrupt the consensus splice site. In summary, the available evidence is currently insufficient to determine the role of this variant in disease. Therefore, it has been classified as a Variant of Uncertain Significance.

PreventionGenetics, part of Exact Sciences
Classification: Likely benign for KLHL40-related condition. Last evaluated: 2020-05-21. Review status: no assertion criteria provided. Collection method: clinical testing. Allele origin: germline. Not counted in ClinVar's aggregate classification.
Comment: This variant is classified as likely benign based on ACMG/AMP sequence variant interpretation guidelines (Richards et al. 2015 PMID: 25741868, with internal and published modifications).

NM_152393.4(KLHL40):c.1312C>T (p.Leu438=)

Gene: KLHL40 (kelch like family member 40; plus strand). Cytogenetic location: 3p22.1.
Variant type: single nucleotide variant.
Coding change: c.1312C>T on transcript NM_152393.4 (MANE Select); coding-DNA position 1312, C replaced by T.
Protein change: p.Leu438=; no amino-acid change (leucine 438 retained).
Molecular consequence: synonymous variant.
Genome position (GRCh38, 1-based): chr3:42,688,301, C>T. VCF-style: chr3-42688301-C-T. GRCh37 (hg19) VCF-style: chr3-42729793-C-T.
Other names: c.1312C>T (NM_152393.3).
Identifiers: ClinVar variation 1503315 (VCV001503315.5), dbSNP rs200589852, ClinGen allele CA2336888.